The following is an entry in ClinVar:

ClinVar aggregate classification (germline): Uncertain significance (1 of 4 stars; one submission).

Conditions:
Cardiovascular phenotype. Identifiers: MedGen CN230736.

Submission:

Ambry Genetics
Classification: Uncertain significance for Cardiovascular phenotype. Last evaluated: 2026-08-31. Review status: criteria provided, single submitter. Criteria: Ambry Variant Classification Scheme 2023. Collection method: clinical testing. Allele origin: germline.
Comment: The p.Q265K variant (also known as c.793C>A), located in coding exon 4 of the ACTC1 gene, results from a C to A substitution at nucleotide position 793. The glutamine at codon 265 is replaced by lysine, an amino acid with similar properties. This amino acid position is highly conserved in available vertebrate species. In addition, this alteration is predicted to be deleterious by in silico analysis. Based on the available evidence, the clinical significance of this variant remains unclear.

NM_005159.5(ACTC1):c.793C>A (p.Gln265Lys)

Genes: ACTC1 (actin alpha cardiac muscle 1; minus strand), GJD2-DT (GJD2 divergent transcript; plus strand). Cytogenetic location: 15q14.
Variant type: single nucleotide variant.
Coding change: c.793C>A on transcript NM_005159.5 (MANE Select); coding-DNA position 793, C replaced by A.
Protein change: p.Gln265Lys; replaces glutamine 265 with lysine.
Molecular consequence: missense variant.
Genome position (GRCh38, 1-based): chr15:34,792,105, G>T on the plus strand (C>A on the coding strand, the complement: ACTC1 is on the minus strand). VCF-style: chr15-34792105-G-T. GRCh37 (hg19) VCF-style: chr15-35084306-G-T.
Other names: c.793C>A, p.Gln265Lys (NM_001406482.1, NM_001406483.1); c.658C>A, p.Gln220Lys (NM_001406484.1); c.352C>A, p.Gln118Lys (NM_001406485.1); short protein forms Q265K, Q220K, Q118K.
Identifiers: ClinVar variation 5032386 (VCV005032386.1).
Genomic context (GRCh38, chr15:34,792,105, plus strand): 5'-ATTTCCAGGGAAAATCGTGCCTCTGCACCAGACCCTACAACTCACCAATGAAGGAGGGCT[G>T]GAAGAGTGTCTCAGGACAGCGGAAGCGCTCATTGCCAATAGTGATGACTTGGCCATCAGG-3'
Protein context (NP_005150.1, residues 255-275): ERFRCPETLF[Gln265Lys]PSFIGMESAG